The following is an entry in ClinVar:

NM_001256545.2(MEGF10):c.2333C>G (p.Thr778Ser)

Gene: MEGF10 (multiple EGF like domains 10; plus strand). Cytogenetic location: 5q23.2.
Variant type: single nucleotide variant.
Coding change: c.2333C>G on transcript NM_001256545.2 (MANE Select); coding-DNA position 2333, C replaced by G.
Protein change: p.Thr778Ser; replaces threonine 778 with serine.
Molecular consequence: missense variant.
Genome position (GRCh38, 1-based): chr5:127,440,838, C>G. VCF-style: chr5-127440838-C-G. GRCh37 (hg19) VCF-style: chr5-126776530-C-G.
Other names: c.2333C>G, p.Thr778Ser (NM_032446.3); short protein forms T778S.
Identifiers: ClinVar variation 943836 (VCV000943836.10), dbSNP rs1419621714, ClinGen allele CA360733569.
Genomic context (GRCh38, chr5:127,440,838, plus strand): 5'-TATGCCAATGTCAAAACGGAGCTGACTGCGACCACATTTCTGGGCAGTGTACTTGCCGCA[C>G]TGGATTCATGGGACGGCACTGTGAGCAGAGTAAGTATGAGAGTGTGGCATCACTGGGTGG-3'
Protein context (NP_001243474.1, residues 768-788): DHISGQCTCR[Thr778Ser]GFMGRHCEQK

ClinVar aggregate classification (germline): Uncertain significance (1 of 4 stars; one submission).

Conditions:
MEGF10-related myopathy (CMYO10A). Also called: Congenital myopathy 10A, severe variant. Identifiers: Orphanet 439212, MedGen C3280679, MONDO:0013731, OMIM 614399.

Allele frequency attached by ClinVar (database versions not stated): gnomAD exomes below 0.00001.
gnomAD v4.1: 2 of 1,614,110 alleles (0.00012%); highest among the groups gnomAD compares: Non-Finnish European, 0.00017%; no homozygotes.

Submission:

Labcorp Genetics (formerly Invitae), Labcorp
Classification: Uncertain significance for MEGF10-related myopathy. Last evaluated: 2022-03-09. Review status: criteria provided, single submitter. Criteria: Invitae Variant Classification Sherloc (09022015). Collection method: clinical testing. Allele origin: germline.
Comment: This sequence change replaces threonine, which is neutral and polar, with serine, which is neutral and polar, at codon 778 of the MEGF10 protein (p.Thr778Ser). This variant is present in population databases (no rsID available, gnomAD 0.0009%). This variant has not been reported in the literature in individuals affected with MEGF10-related conditions. ClinVar contains an entry for this variant (Variation ID: 943836). Algorithms developed to predict the effect of missense changes on protein structure and function (SIFT, PolyPhen-2, Align-GVGD) all suggest that this variant is likely to be disruptive. Algorithms developed to predict the effect of sequence changes on RNA splicing suggest that this variant may create or strengthen a splice site. In summary, the available evidence is currently insufficient to determine the role of this variant in disease. Therefore, it has been classified as a Variant of Uncertain Significance.